The following is an entry in ClinVar:

NM_000441.2(SLC26A4):c.1765C>T (p.Gln589Ter)

Gene: SLC26A4 (solute carrier family 26 member 4; plus strand). Cytogenetic location: 7q22.3.
Variant type: single nucleotide variant.
Coding change: c.1765C>T on transcript NM_000441.2 (MANE Select); coding-DNA position 1765, C replaced by T.
Protein change: p.Gln589Ter; replaces glutamine 589 with a stop codon.
Molecular consequence: nonsense.
Genome position (GRCh38, 1-based): chr7:107,701,158, C>T. VCF-style: chr7-107701158-C-T. GRCh37 (hg19) VCF-style: chr7-107341603-C-T.
Other names: short protein forms Q589*.
Identifiers: ClinVar variation 1724352 (VCV001724352.3), dbSNP rs1473339827, ClinGen allele CA368842938.

ClinVar aggregate classification (germline): Likely pathogenic. Review status: criteria provided, multiple submitters, no conflicts (2 of 4 stars). 2 submissions from 2 submitters: Likely pathogenic (2). Last evaluated 2024-02-29.

Conditions:
Autosomal recessive nonsyndromic hearing loss 4 (DFNB4). Also called: NEUROSENSORY NONSYNDROMIC RECESSIVE DEAFNESS 4; Nonsyndromic enlarged vestibular aqueduct (NSEVA); Deafness, autosomal recessive 4; FOXI1-Related Pendred Syndrome; KCNJ10-Related Pendred Syndrome; DEAFNESS, AUTOSOMAL RECESSIVE 4, WITH ENLARGED VESTIBULAR AQUEDUCT, DIGENIC. Identifiers: Orphanet 90636, MedGen C3538946, MONDO:0010933, OMIM 600791.
Pendred syndrome (PDS). Also called: Pendred Syndrome (PDS); GOITER-DEAFNESS SYNDROME; HYPOTHYROIDISM, CONGENITAL, DUE TO DYSHORMONOGENESIS, 2B; Pendred's syndrome; DEAFNESS WITH GOITER; THYROID DYSHORMONOGENESIS 2B. Identifiers: Orphanet 705, MedGen C0271829, MONDO:0010134, OMIM 274600.

gnomAD v4.1: 1 of 1,609,774 alleles (0.000062%); highest among the groups gnomAD compares: South Asian, 0.0011%; no homozygotes.

Submissions (2):

Baylor Genetics
Classification: Likely pathogenic for Autosomal recessive nonsyndromic hearing loss 4. Last evaluated: 2024-02-29. Review status: criteria provided, single submitter. Criteria: ACMG Guidelines, 2015. Collection method: clinical testing. Allele origin: unknown.

Myriad Genetics, Inc.
Classification: Likely pathogenic for Pendred syndrome. Last evaluated: 2021-11-10. Review status: criteria provided, single submitter. Criteria: Myriad Women's Health Autosomal Recessive and X-Linked Classification Criteria (2021). Collection method: clinical testing. Allele origin: unknown.
Comment: NM_000441.1(SLC26A4):c.1765C>T(Q589*) is expected to be pathogenic in the context of Pendred syndrome. This variant is predicted to lead to an abnormal or absent protein product due to the creation of a premature termination codon in SLC26A4, a gene where loss-of-function variants are known to be pathogenic. Please note: this variant was assessed in the context of healthy population screening.